The following is an entry in ClinVar:

NM_001377137.1(GBF1):c.2732_2733del (p.Pro911fs)

Gene: GBF1 (golgi brefeldin A resistant guanine nucleotide exchange factor 1; plus strand). Cytogenetic location: 10q24.32.
Variant type: Deletion.
Coding change: c.2732_2733del on transcript NM_001377137.1 (MANE Select); coding-DNA positions 2732 to 2733, 2 bases deleted (CT; older notation c.2732_2733delCT).
Protein change: p.Pro911fs; shifts the reading frame from proline 911.
Molecular consequence: frameshift variant. On other transcripts: non-coding transcript variant (5), intron variant (1).
Genome position (GRCh38, 1-based): chr10:102,368,307-102,368,308, CT deleted. VCF-style (leftmost placement, unchanged base first): chr10-102368306-CCT-C. GRCh37 (hg19) VCF-style: chr10-104128063-CCT-C.
Other names: c.2732_2733del, p.Pro911fs (NM_001199378.2, NM_001391923.1); c.2729_2730del, p.Pro910fs (NM_001199379.2, NM_001377141.1, NM_001391924.1 and 3 more transcripts); c.2693_2694del, p.Pro898fs (NM_001377138.1, NM_001391925.1); c.2435_2436del, p.Pro812fs (NM_001377139.1, NM_001377140.1); c.2828_2829del, p.Pro943fs (NM_001391922.1); c.2696_2697del, p.Pro899fs (NM_001391926.1); c.2588_2589del, p.Pro863fs (NM_001391928.1); c.2351_2352del, p.Pro784fs (NM_001391931.1); and 1 more; short protein forms P812fs, P910fs, P863fs, P899fs, P911fs, P784fs, P898fs, P943fs.
Identifiers: ClinVar variation 1521842 (VCV001521842.5), dbSNP rs2060017974, ClinGen allele CA1932638426.

ClinVar aggregate classification (germline): Uncertain significance. Review status: criteria provided, multiple submitters, no conflicts (2 of 4 stars). 2 submissions from 2 submitters: Uncertain significance (2). Last evaluated 2021-07-06.

Conditions:
Charcot-Marie-Tooth Disease, axonal, type 2GG (CMT2GG). Also called: Charcot-Marie-Tooth neuropathy, type 2GG; Charcot-Marie-Tooth neuropathy, axonal, type 2GG; Charcot-Marie-Tooth disease dominant intermediate II. Identifiers: Orphanet 100043, MedGen C5561933, MONDO:0011675, OMIM 606483.

Allele frequency attached by ClinVar (database versions not stated): TOPMed below 0.00001.

Submissions (2):

Fulgent Genetics
Classification: Uncertain significance for Charcot-Marie-Tooth Disease, axonal, type 2GG. Last evaluated: 2021-07-06. Review status: criteria provided, single submitter. Criteria: ACMG Guidelines, 2015. Collection method: clinical testing. Allele origin: unknown.

Labcorp Genetics (formerly Invitae), Labcorp
Classification: Uncertain significance. Last evaluated: 2021-03-31. Review status: criteria provided, single submitter. Criteria: Invitae Variant Classification Sherloc (09022015). Collection method: clinical testing. Allele origin: germline.
Comment: In summary, the available evidence is currently insufficient to determine the role of this variant in disease. Therefore, it has been classified as a Variant of Uncertain Significance. This variant has been observed in individual(s) with clinical features of GBF1-related axonal neuropathy (Invitae). This variant is not present in population databases (ExAC no frequency). This sequence change creates a premature translational stop signal (p.Pro910Argfs*13) in the GBF1 gene. It is expected to result in an absent or disrupted protein product. However, the current clinical and genetic evidence is not sufficient to establish whether loss-of-function variants in GBF1 cause disease.